The following is an entry in ClinVar:

ClinVar aggregate classification (germline): Uncertain significance (1 of 4 stars; one submission).

Allele frequency attached by ClinVar (database versions not stated): gnomAD exomes below 0.00001; ExAC 0.00001.
gnomAD v4.1: 3 of 1,614,054 alleles (0.00019%); highest among the groups gnomAD compares: East Asian, 0.0045%; no homozygotes.

Submission:

Labcorp Genetics (formerly Invitae), Labcorp
Classification: Uncertain significance. Last evaluated: 2022-03-12. Review status: criteria provided, single submitter. Criteria: Invitae Variant Classification Sherloc (09022015). Collection method: clinical testing. Allele origin: germline.
Comment: This sequence change replaces lysine, which is basic and polar, with arginine, which is basic and polar, at codon 207 of the TULP1 protein (p.Lys207Arg). This variant is present in population databases (rs777211292, gnomAD 0.006%). This variant has not been reported in the literature in individuals affected with TULP1-related conditions. Algorithms developed to predict the effect of missense changes on protein structure and function output the following: SIFT: "Not Available"; PolyPhen-2: "Benign"; Align-GVGD: "Not Available". The arginine amino acid residue is found in multiple mammalian species, which suggests that this missense change does not adversely affect protein function. Algorithms developed to predict the effect of sequence changes on RNA splicing suggest that this variant may disrupt the consensus splice site. In summary, the available evidence is currently insufficient to determine the role of this variant in disease. Therefore, it has been classified as a Variant of Uncertain Significance.

NM_003322.6(TULP1):c.620A>G (p.Lys207Arg)

Gene: TULP1 (TUB like protein 1; minus strand). Cytogenetic location: 6p21.31.
Variant type: single nucleotide variant.
Coding change: c.620A>G on transcript NM_003322.6 (MANE Select); coding-DNA position 620, A replaced by G.
Protein change: p.Lys207Arg; replaces lysine 207 with arginine.
Molecular consequence: missense variant.
Genome position (GRCh38, 1-based): chr6:35,509,732, T>C on the plus strand (A>G on the coding strand, the complement: TULP1 is on the minus strand). VCF-style: chr6-35509732-T-C. GRCh37 (hg19) VCF-style: chr6-35477509-T-C.
Other names: c.461A>G, p.Lys154Arg (NM_001289395.2); short protein forms K154R, K207R.
Identifiers: ClinVar variation 2110260 (VCV002110260.1), dbSNP rs777211292, ClinGen allele CA3772855.